The following is an entry in ClinVar:

NM_014336.5(AIPL1):c.905_906del (p.Arg302fs)

Gene: AIPL1 (AIP like 1 HSP90 co-chaperone; minus strand). Cytogenetic location: 17p13.2.
Variant type: Microsatellite.
Coding change: c.905_906del on transcript NM_014336.5 (MANE Select); coding-DNA positions 905 to 906, 2 bases deleted (GC; older notation c.905_906delGC).
Protein change: p.Arg302fs; shifts the reading frame from arginine 302.
Molecular consequence: frameshift variant. On other transcripts: 3 prime UTR variant (1).
Genome position (GRCh38, 1-based): chr17:6,425,709-6,425,710, GC deleted on the plus strand (GC on the coding strand, the reverse complement: AIPL1 is on the minus strand); deleting any 2 consecutive bases within chr17:6,425,709-6,425,712 gives the same sequence; the c. name uses the placement nearest the transcript's 3' end. VCF-style (leftmost placement, unchanged base first): chr17-6425708-TGC-T. GRCh37 (hg19) VCF-style: chr17-6329028-TGC-T.
Other names: c.716_717del, p.Arg239fs (NM_001033054.3); c.725_726del, p.Arg242fs (NM_001033055.3); c.869_870del, p.Arg290fs (NM_001285399.3); c.839_840del, p.Arg280fs (NM_001285400.3); c.833_834del, p.Arg278fs (NM_001285401.3); c.788_789del, p.Arg263fs (NM_001285402.2); c.*874GC[1] (NM_001285403.4); short protein forms R242fs, R290fs, R302fs, R278fs, R239fs, R263fs, R280fs.
Identifiers: ClinVar variation 3649117 (VCV003649117.2).
Genomic context (GRCh38, chr17:6,425,708, plus strand): 5'-AGCGCAGCCGCTCCTCCTCCTGCTTCTCCGCCATGCGGTTCTCCAGCAGCCTCAGCTCCC[TGC>T]GCACCGCCTTCTGCATGGACGGCTCCAGCTCCAGCACTTTCTGGAGGTCCGCCTTGGCCT-3'

ClinVar aggregate classification (germline): Pathogenic (1 of 4 stars; one submission).

Conditions:
Leber congenital amaurosis 4 (LCA4). Identifiers: MedGen C1858386, MONDO:0011458, OMIM 604393.

Submission:

Labcorp Genetics (formerly Invitae), Labcorp
Classification: Pathogenic for Leber congenital amaurosis 4. Last evaluated: 2025-01-15. Review status: criteria provided, single submitter. Criteria: Invitae Variant Classification Sherloc (09022015). Collection method: clinical testing. Allele origin: germline.
Comment: This sequence change results in a frameshift in the AIPL1 gene (p.Arg302Glnfs*105). While this is not anticipated to result in nonsense mediated decay, it is expected to disrupt the last 83 amino acid(s) of the AIPL1 protein and extend the protein by 21 additional amino acid residues. This variant is not present in population databases (gnomAD no frequency). This variant has not been reported in the literature in individuals affected with AIPL1-related conditions. This variant results in an extension of the AIPL1 protein. Other variant(s) that result in a similarly extended protein product (p.Glu337Alafs*70) have been determined to be pathogenic (PMID: 10615133; internal data). This suggests that these extensions are likely to be disease-causing. For these reasons, this variant has been classified as Pathogenic.

Literature cited by the submitters: PubMed 10615133.